The following is an entry in ClinVar:

ClinVar aggregate classification (germline): Uncertain significance (1 of 4 stars; one submission).

Conditions:
Tyrosinemia type I (TYRSN1). Also called: Tyrosinemia type 1; Fumarylacetoacetase deficiency; Deficiency of fumarylacetoacetase; FAH DEFICIENCY; HEPATORENAL TYROSINEMIA. Identifiers: Orphanet 882, MedGen C0268490, MONDO:0010161, OMIM 276700. Disease mechanism: loss of function.

Submission:

Labcorp Genetics (formerly Invitae), Labcorp
Classification: Uncertain significance for Tyrosinemia type I. Last evaluated: 2022-01-14. Review status: criteria provided, single submitter. Criteria: Invitae Variant Classification Sherloc (09022015). Collection method: clinical testing. Allele origin: germline.
Comment: This sequence change replaces arginine, which is basic and polar, with serine, which is neutral and polar, at codon 211 of the FAH protein (p.Arg211Ser). This variant is not present in population databases (gnomAD no frequency). This variant has not been reported in the literature in individuals affected with FAH-related conditions. Advanced modeling of protein sequence and biophysical properties (such as structural, functional, and spatial information, amino acid conservation, physicochemical variation, residue mobility, and thermodynamic stability) performed at Invitae indicates that this missense variant is not expected to disrupt FAH protein function. In summary, the available evidence is currently insufficient to determine the role of this variant in disease. Therefore, it has been classified as a Variant of Uncertain Significance.

NM_000137.4(FAH):c.633A>T (p.Arg211Ser)

Gene: FAH (fumarylacetoacetate hydrolase; plus strand). Cytogenetic location: 15q25.1.
Variant type: single nucleotide variant.
Coding change: c.633A>T on transcript NM_000137.4 (MANE Select); coding-DNA position 633, A replaced by T.
Protein change: p.Arg211Ser; replaces arginine 211 with serine.
Molecular consequence: missense variant.
Genome position (GRCh38, 1-based): chr15:80,172,175, A>T. VCF-style: chr15-80172175-A-T. GRCh37 (hg19) VCF-style: chr15-80464517-A-T.
Other names: c.633A>T, p.Arg211Ser (NM_001374377.1, NM_001374380.1); short protein forms R211S.
Identifiers: ClinVar variation 2148099 (VCV002148099.1), dbSNP rs2505853756, ClinGen allele CA393620459.